The following is an entry in ClinVar:

NM_007294.4(BRCA1):c.5234dup (p.Asn1745fs)

Gene: BRCA1 (BRCA1 DNA repair associated; minus strand). Cytogenetic location: 17q21.31.
Variant type: Duplication.
Coding change: c.5234dup on transcript NM_007294.4 (MANE Select); coding-DNA position 5234, one base duplicated (A; older notation c.5234dupA).
Protein change: p.Asn1745fs; shifts the reading frame from asparagine 1745.
Molecular consequence: frameshift variant. On other transcripts: non-coding transcript variant (1).
Genome position (GRCh38, 1-based): chr17:43,057,095, T duplicated on the plus strand (A on the coding strand, the reverse complement: BRCA1 is on the minus strand); the first of 3 consecutive T bases (chr17:43,057,095-43,057,097); duplicating any one gives the same sequence. VCF-style (leftmost placement, unchanged base first): chr17-43057094-G-GT. GRCh37 (hg19) VCF-style: chr17-41209111-G-GT.
Other names: c.5234dupA (NM_007294.3); c.1800dup, p.Asn601Lysfs (NM_001408427.1, NM_001408428.1, NM_001408429.1 and 4 more transcripts); c.1797dup, p.Asn600Lysfs (NM_001408432.1, NM_001408433.1, NM_001408434.1 and 10 more transcripts); c.1794dup, p.Asn599Lysfs (NM_001408445.1, NM_001408446.1, NM_001408447.1 and 2 more transcripts); c.1788dup, p.Asn597Lysfs (NM_001408451.1); c.1782dup, p.Asn595Lysfs (NM_001408452.1, NM_001408453.1, NM_001408454.1 and 3 more transcripts); c.1779dup, p.Asn594Lysfs (NM_001408458.1, NM_001408459.1, NM_001408460.1 and 7 more transcripts); c.1776dup, p.Asn593Lysfs (NM_001408468.1, NM_001408469.1, NM_001408470.1); and 76 more; short protein forms N1698fs, N1745fs, N1766fs, N641fs.
Identifiers: ClinVar variation 254464 (VCV000254464.8), dbSNP rs886038042, ClinGen allele CA10586602.

ClinVar aggregate classification (germline): Pathogenic. Review status: reviewed by expert panel (3 of 4 stars). 2 submissions from 2 submitters: Pathogenic (1). 1 of the submissions does not count toward it. Last evaluated 2016-09-08.

Conditions:
Hereditary cancer-predisposing syndrome. Also called: Hereditary Cancer Syndrome; Neoplastic Syndromes, Hereditary; Hereditary neoplastic syndrome; Tumor predisposition. Identifiers: Orphanet 140162, MedGen C0027672, MeSH D009386, MONDO:0015356.
Breast-ovarian cancer, familial, susceptibility to, 1 (BROVCA1). Also called: BRCA1 Hereditary Breast and Ovarian Cancer; OVARIAN CANCER, SUSCEPTIBILITY TO. Identifiers: Orphanet 145, MedGen C2676676, MONDO:0011450, OMIM 604370. Disease mechanism: loss of function.

Submissions (2):

Evidence-based Network for the Interpretation of Germline Mutant Alleles (ENIGMA)
Classification: Pathogenic for Breast-ovarian cancer, familial, susceptibility to, 1. Last evaluated: 2016-09-08. Review status: reviewed by expert panel. Criteria: ENIGMA BRCA1/2 Classification Criteria (2015). Collection method: curation. Allele origin: germline.
Comment: Variant allele predicted to encode a truncated non-functional protein.

Ambry Genetics
Classification: Pathogenic for Hereditary cancer-predisposing syndrome. Last evaluated: 2019-02-06. Review status: criteria provided, single submitter. Criteria: Ambry Variant Classification Scheme 2023. Collection method: clinical testing. Allele origin: germline. Not counted in ClinVar's aggregate classification.
Comment: The c.5234dupA pathogenic mutation, located in coding exon 18 of the BRCA1 gene, results from a duplication of A at nucleotide position 5234, causing a translational frameshift with a predicted alternate stop codon (p.N1745Kfs*85). This alteration is expected to result in loss of function by premature protein truncation or nonsense-mediated mRNA decay. As such, this alteration is interpreted as a disease-causing mutation.

Literature cited by the submitters: PubMed 29483665 (cited by Ambry Genetics).